The following is an entry in ClinVar:

NM_000238.4(KCNH2):c.597C>G (p.Asp199Glu)

Gene: KCNH2 (potassium voltage-gated channel subfamily H member 2; minus strand). Cytogenetic location: 7q36.1.
Variant type: single nucleotide variant.
Coding change: c.597C>G on transcript NM_000238.4 (MANE Select); coding-DNA position 597, C replaced by G.
Protein change: p.Asp199Glu; replaces aspartic acid 199 with glutamic acid.
Molecular consequence: missense variant. On other transcripts: non-coding transcript variant (1).
Genome position (GRCh38, 1-based): chr7:150,958,378, G>C on the plus strand (C>G on the coding strand, the complement: KCNH2 is on the minus strand). VCF-style: chr7-150958378-G-C. GRCh37 (hg19) VCF-style: chr7-150655466-G-C.
Other names: c.309C>G, p.Asp103Glu (NM_001406753.1, NM_001406756.1); c.420C>G, p.Asp140Glu (NM_001406755.1); c.297C>G, p.Asp99Glu (NM_001406757.1); c.597C>G, p.Asp199Glu (NM_172056.3); short protein forms D103E, D140E, D199E, D99E.
Identifiers: ClinVar variation 3230733 (VCV003230733.1), dbSNP rs2486093326, ClinGen allele CA369863163.

ClinVar aggregate classification (germline): Uncertain significance (1 of 4 stars; one submission).

Conditions:
Cardiovascular phenotype. Identifiers: MedGen CN230736.

Submission:

Ambry Genetics
Classification: Uncertain significance for Cardiovascular phenotype. Last evaluated: 2024-01-10. Review status: criteria provided, single submitter. Criteria: Ambry Variant Classification Scheme 2023. Collection method: clinical testing. Allele origin: germline.
Comment: The p.D199E variant (also known as c.597C>G), located in coding exon 4 of the KCNH2 gene, results from a C to G substitution at nucleotide position 597. The aspartic acid at codon 199 is replaced by glutamic acid, an amino acid with highly similar properties. This amino acid position is well conserved in available vertebrate species. In addition, the in silico prediction for this alteration is inconclusive. Since supporting evidence is limited at this time, the clinical significance of this alteration remains unclear.